The following is an entry in ClinVar:

NM_139076.3(ABRAXAS1):c.670G>A (p.Glu224Lys)

Gene: ABRAXAS1 (abraxas 1, BRCA1 A complex subunit; minus strand). Cytogenetic location: 4q21.23.
Variant type: single nucleotide variant.
Coding change: c.670G>A on transcript NM_139076.3 (MANE Select); coding-DNA position 670, G replaced by A.
Protein change: p.Glu224Lys; replaces glutamic acid 224 with lysine.
Molecular consequence: missense variant.
Genome position (GRCh38, 1-based): chr4:83,467,465, C>T on the plus strand (G>A on the coding strand, the complement: ABRAXAS1 is on the minus strand). VCF-style: chr4-83467465-C-T. GRCh37 (hg19) VCF-style: chr4-84388618-C-T.
Other names: c.343G>A, p.Glu115Lys (NM_001345962.2); short protein forms E224K, E115K.
Identifiers: ClinVar variation 2563994 (VCV002563994.2), dbSNP rs1292464406, ClinGen allele CA357258650.
Genomic context (GRCh38, chr4:83,467,465, plus strand): 5'-ATATGAACTCTATCTAGAAGTGGTTGACGTGTTTGATATGTTAACTTACCTTTAATTCCT[C>T]TTGTAATGAAGCATACATTTCATTTATCTTATGTACCTCCTTTAAGGATCCATCTTCTTC-3'
Protein context (NP_620775.2, residues 214-234): KINEMYASLQ[Glu224Lys]ELKSICKKVE

ClinVar aggregate classification (germline): Uncertain significance (1 of 4 stars; one submission).

Allele frequency attached by ClinVar (database versions not stated): gnomAD exomes below 0.00001; gnomAD 0.00001; TOPMed 0.00002.
gnomAD v4.1: 2 of 1,529,960 alleles (0.00013%); highest among the groups gnomAD compares: African/African-American, 0.0027%; no homozygotes.

Submission:

Ambry Genetics
Classification: Uncertain significance. Last evaluated: 2023-04-08. Review status: criteria provided, single submitter. Criteria: Ambry Variant Classification Scheme 2023. Collection method: clinical testing. Allele origin: germline.
Comment: The p.E224K variant (also known as c.670G>A), located in coding exon 7 of the FAM175A gene, results from a G to A substitution at nucleotide position 670. The glutamic acid at codon 224 is replaced by lysine, an amino acid with similar properties. This amino acid position is conserved. In addition, this alteration is predicted to be tolerated by in silico analysis. Since supporting evidence is limited at this time, the clinical significance of this alteration remains unclear.